The following is an entry in ClinVar:

ClinVar aggregate classification (germline): Uncertain significance. Review status: criteria provided, multiple submitters, no conflicts (2 of 4 stars). 2 submissions from 2 submitters: Uncertain significance (2). Last evaluated 2025-08-20.

Conditions:
Hereditary cancer-predisposing syndrome. Also called: Neoplastic Syndromes, Hereditary; Tumor predisposition; Hereditary Cancer Syndrome; Hereditary neoplastic syndrome. Identifiers: Orphanet 140162, MedGen C0027672, MeSH D009386, MONDO:0015356.

Allele frequency attached by ClinVar (database versions not stated): gnomAD exomes below 0.00001; TOPMed 0.00001.
gnomAD v4.1: 1 of 1,613,252 alleles (0.000062%); highest among the groups gnomAD compares: East Asian, 0.0022%; no homozygotes.

Submissions (2):

Ambry Genetics
Classification: Uncertain significance for Hereditary cancer-predisposing syndrome. Last evaluated: 2025-08-20. Review status: criteria provided, single submitter. Criteria: Ambry Variant Classification Scheme 2023. Collection method: clinical testing. Allele origin: germline.
Comment: The p.L307V variant (also known as c.919T>G), located in coding exon 7 of the RAD50 gene, results from a T to G substitution at nucleotide position 919. The leucine at codon 307 is replaced by valine, an amino acid with highly similar properties. This amino acid position is not well conserved in available vertebrate species. In addition, this alteration is predicted to be tolerated by in silico analysis. Since supporting evidence is limited at this time, the clinical significance of this alteration remains unclear.

Labcorp Genetics (formerly Invitae), Labcorp
Classification: Uncertain significance for Hereditary cancer-predisposing syndrome. Last evaluated: 2022-08-08. Review status: criteria provided, single submitter. Criteria: Invitae Variant Classification Sherloc (09022015). Collection method: clinical testing. Allele origin: germline.
Comment: In summary, the available evidence is currently insufficient to determine the role of this variant in disease. Therefore, it has been classified as a Variant of Uncertain Significance. Algorithms developed to predict the effect of missense changes on protein structure and function (SIFT, PolyPhen-2, Align-GVGD) all suggest that this variant is likely to be tolerated. This variant has not been reported in the literature in individuals affected with RAD50-related conditions. This variant is present in population databases (no rsID available, gnomAD 0.01%). This sequence change replaces leucine, which is neutral and non-polar, with valine, which is neutral and non-polar, at codon 307 of the RAD50 protein (p.Leu307Val).

NM_005732.4(RAD50):c.919T>G (p.Leu307Val)

Gene: RAD50 (RAD50 double strand break repair protein; plus strand). Cytogenetic location: 5q31.1.
Variant type: single nucleotide variant.
Coding change: c.919T>G on transcript NM_005732.4 (MANE Select); coding-DNA position 919, T replaced by G.
Protein change: p.Leu307Val; replaces leucine 307 with valine.
Molecular consequence: missense variant.
Genome position (GRCh38, 1-based): chr5:132,587,957, T>G. VCF-style: chr5-132587957-T-G. GRCh37 (hg19) VCF-style: chr5-131923649-T-G.
Other names: short protein forms L307V.
Identifiers: ClinVar variation 1766149 (VCV001766149.9), dbSNP rs1243130288, ClinGen allele CA360940897.